The following is an entry in ClinVar:

ClinVar aggregate classification (germline): Uncertain significance. Review status: criteria provided, multiple submitters, no conflicts (2 of 4 stars). 2 submissions from 2 submitters: Uncertain significance (2). Last evaluated 2021-08-19.

Conditions:
Sick sinus syndrome 2, autosomal dominant (SSS2). Also called: ATRIAL FIBRILLATION WITH BRADYARRHYTHMIA; SICK SINUS SYNDROME 2; SICK SINUS SYNDROME 2 WITH OR WITHOUT CARDIAC NONCOMPACTION AND/OR ASCENDING AORTA DILATION; SINUS BRADYCARDIA SYNDROME, FAMILIAL, AUTOSOMAL DOMINANT; SINUS NODE DISEASE, FAMILIAL, AUTOSOMAL DOMINANT. Identifiers: Orphanet 166282, MedGen C1834144, MONDO:0008102, OMIM 163800.
Brugada syndrome 8 (BRGDA8). Identifiers: Orphanet 130, MedGen C2751083, MONDO:0013148, OMIM 613123.
Epilepsy, idiopathic generalized, susceptibility to, 18. Identifiers: MedGen C5561983, MONDO:0030434, OMIM 619521.

Submissions (2):

Fulgent Genetics
Classification: Uncertain significance for Sick sinus syndrome 2, autosomal dominant; Brugada syndrome 8; Epilepsy, idiopathic generalized, susceptibility to, 18. Last evaluated: 2021-08-19. Review status: criteria provided, single submitter. Criteria: ACMG Guidelines, 2015. Collection method: clinical testing. Allele origin: unknown.

GeneDx
Classification: Uncertain significance. Last evaluated: 2019-07-16. Review status: criteria provided, single submitter. Criteria: GeneDx Variant Classification Process June 2021. Collection method: clinical testing. Allele origin: germline. Affected: yes.
Comment: Has not been previously published as pathogenic or benign to our knowledge; Not observed at a significant frequency in large population cohorts (Lek et al., 2016); Frameshift variant predicted to result in protein truncation as the last 24 amino acids are lost and replaced with 13 incorrect amino acids; Although a few upstream frameshift variants have been reported in HGMD, the majority of reported HCN4 variants are missense changes (Stenson et al., 2014)

NM_005477.3(HCN4):c.3536dup (p.Leu1180fs)

Gene: HCN4 (hyperpolarization activated cyclic nucleotide gated potassium channel 4; minus strand). Cytogenetic location: 15q24.1.
Variant type: Duplication.
Coding change: c.3536dup on transcript NM_005477.3 (MANE Select); coding-DNA position 3536, one base duplicated (C; older notation c.3536dupC).
Protein change: p.Leu1180fs; shifts the reading frame from leucine 1180.
Molecular consequence: frameshift variant.
Genome position (GRCh38, 1-based): chr15:73,322,557, G duplicated on the plus strand (C on the coding strand, the reverse complement: HCN4 is on the minus strand); the first of 5 consecutive G bases (chr15:73,322,557-73,322,561); duplicating any one gives the same sequence. VCF-style (leftmost placement, unchanged base first): chr15-73322556-A-AG. GRCh37 (hg19) VCF-style: chr15-73614897-A-AG.
Other names: short protein forms L1180fs.
Identifiers: ClinVar variation 1307186 (VCV001307186.3), dbSNP rs1416588482, ClinGen allele CA619410583.